The following is an entry in ClinVar:

NC_000001.10:g.(?_25870190)_(27278871_?)dup

Genes: ARID1A (AT-rich interaction domain 1A; plus strand), AUNIP (aurora kinase A and ninein interacting protein; minus strand), CATSPER4 (cation channel sperm associated 4; plus strand), CD52 (CD52 molecule; plus strand), CEP85 (centrosomal protein 85; plus strand) and 30 more. Cytogenetic location: 1p36.11.
Variant type: Duplication.
Identifiers: ClinVar variation 2426901 (VCV002426901.3).

ClinVar aggregate classification (germline): Uncertain significance (1 of 4 stars; one submission).

Conditions:
Retinitis pigmentosa 59 (RP59). Identifiers: Orphanet 791, MedGen C3151227, MONDO:0013468, OMIM 613861.

Submission:

Labcorp Genetics (formerly Invitae), Labcorp
Classification: Uncertain significance for Retinitis pigmentosa 59. Last evaluated: 2021-04-27. Review status: criteria provided, single submitter. Criteria: Invitae Variant Classification Sherloc (09022015). Collection method: clinical testing. Allele origin: germline.
Comment: A copy number gain of the genomic region encompassing the full coding sequence of the DHDDS gene has been identified. The boundaries of this event are unknown as they extend beyond the assayed region for this gene and therefore may encompass additional genes. As the precise location of this event is unknown, it may be in tandem or it may be located elsewhere in the genome. This variant has not been reported in the literature in individuals with DHDDS-related conditions. In summary, the available evidence is currently insufficient to determine the role of this variant in disease. Therefore, it has been classified as a Variant of Uncertain Significance.